The following is an entry in ClinVar:

NM_000053.4(ATP7B):c.2349G>C (p.Leu783Phe)

Gene: ATP7B (ATPase copper transporting beta; minus strand). Cytogenetic location: 13q14.3.
Variant type: single nucleotide variant.
Coding change: c.2349G>C on transcript NM_000053.4 (MANE Select); coding-DNA position 2349, G replaced by C.
Protein change: p.Leu783Phe; replaces leucine 783 with phenylalanine.
Molecular consequence: missense variant. On other transcripts: intron variant (2).
Genome position (GRCh38, 1-based): chr13:51,958,317, C>G on the plus strand (G>C on the coding strand, the complement: ATP7B is on the minus strand). VCF-style: chr13-51958317-C-G. GRCh37 (hg19) VCF-style: chr13-52532453-C-G.
Other names: c.2016G>C, p.Leu672Phe (NM_001243182.2); c.2097G>C, p.Leu699Phe (NM_001330579.2); c.1870-710G>C (NM_001005918.3); c.2122-710G>C (NM_001330578.2); short protein forms L783F, L672F, L699F.
Identifiers: ClinVar variation 1506931 (VCV001506931.7), dbSNP rs778848412, ClinGen allele CA6989056.
Genomic context (GRCh38, chr13:51,958,317, plus strand): 5'-TGAGATTTGTTTACTGAAGGAGCAGCTCTTTTCTGAACCTGAAGCTGCTGTTACCTTTGC[C>G]AAGTGTTCCAGCCACCGGCCCAGGGCAATGAACACAAAGAGCATGGGGGGCGTGTCGAAG-3'
Protein context (NP_000044.2, residues 773-793): FIALGRWLEH[Leu783Phe]AKSKTSEALA

ClinVar aggregate classification (germline): Uncertain significance. Review status: criteria provided, multiple submitters, no conflicts (2 of 4 stars). 3 submissions from 3 submitters: Uncertain significance (3). Last evaluated 2023-11-30.

Conditions:
Wilson disease (WND). Also called: Wilson's disease. Identifiers: Orphanet 905, MedGen C0019202, MONDO:0010200, OMIM 277900. Disease mechanism: loss of function.

Allele frequency attached by ClinVar (database versions not stated): ExAC 0.00003.
gnomAD v4.1: 46 of 1,614,050 alleles (0.0028%); highest among the groups gnomAD compares: Non-Finnish European, 0.0036%; no homozygotes.

Submissions (3):

All of Us Research Program, National Institutes of Health
Classification: Uncertain significance for Wilson disease. Last evaluated: 2023-11-30. Review status: criteria provided, single submitter. Criteria: ACMG Guidelines, 2015. Collection method: clinical testing. Allele origin: germline. Inheritance: Autosomal recessive inheritance. Observed: 4 variant alleles, 4 heterozygotes.
Comment: This missense variant replaces leucine with phenylalanine at codon 783 of the ATP7B protein. Computational prediction suggests that this variant may not impact protein structure and function (internally defined REVEL score threshold <= 0.5, PMID: 27666373). To our knowledge, functional studies have not been reported for this variant. This variant has not been reported in individuals affected with Wilson disease in the literature. This variant has been identified in 4/249300 chromosomes in the general population by the Genome Aggregation Database (gnomAD). The available evidence is insufficient to determine the role of this variant in disease conclusively. Therefore, this variant is classified as a Variant of Uncertain Significance.

This study involves interpretation of variants in research participants for the purpose of population health screening. Participant phenotype was not available at the time of variant classification. Additional details can be found in publication PMID: 35346344, PMCID: PMC8962531

Color Diagnostics, LLC DBA Color Health
Classification: Uncertain significance for Wilson disease. Last evaluated: 2022-11-08. Review status: criteria provided, single submitter. Criteria: ACMG Guidelines, 2015. Collection method: clinical testing. Allele origin: germline.
Comment: This missense variant replaces leucine with phenylalanine at codon 783 of the ATP7B protein. Computational prediction suggests that this variant may not impact protein structure and function. To our knowledge, functional studies have not been reported for this variant. This variant has not been reported in individuals affected with Wilson disease in the literature. This variant has been identified in 4/249300 chromosomes in the general population by the Genome Aggregation Database (gnomAD). The available evidence is insufficient to determine the role of this variant in disease conclusively. Therefore, this variant is classified as a Variant of Uncertain Significance.

Labcorp Genetics (formerly Invitae), Labcorp
Classification: Uncertain significance for Wilson disease. Last evaluated: 2022-01-28. Review status: criteria provided, single submitter. Criteria: Invitae Variant Classification Sherloc (09022015). Collection method: clinical testing. Allele origin: germline.
Comment: This sequence change replaces leucine, which is neutral and non-polar, with phenylalanine, which is neutral and non-polar, at codon 783 of the ATP7B protein (p.Leu783Phe). This variant is present in population databases (rs778848412, gnomAD 0.003%). This variant has not been reported in the literature in individuals affected with ATP7B-related conditions. Advanced modeling of protein sequence and biophysical properties (such as structural, functional, and spatial information, amino acid conservation, physicochemical variation, residue mobility, and thermodynamic stability) performed at Invitae indicates that this missense variant is not expected to disrupt ATP7B protein function. In summary, the available evidence is currently insufficient to determine the role of this variant in disease. Therefore, it has been classified as a Variant of Uncertain Significance.